The following is an entry in ClinVar:

NM_001366385.1(CARD14):c.1659-9G>A

Gene: CARD14 (caspase recruitment domain family member 14; plus strand). Cytogenetic location: 17q25.3.
Variant type: single nucleotide variant.
Coding change: c.1659-9G>A on transcript NM_001366385.1 (MANE Select); 9 bases into the intron before coding-DNA position 1659, G replaced by A.
Molecular consequence: intron variant.
Genome position (GRCh38, 1-based): chr17:80,198,390, G>A. VCF-style: chr17-80198390-G-A. GRCh37 (hg19) VCF-style: chr17-78172189-G-A.
Other names: c.1659-9G>A (NM_024110.4, NM_001257970.1); c.948-9G>A (NM_052819.3).
Identifiers: ClinVar variation 1488791 (VCV001488791.8), dbSNP rs536853489, ClinGen allele CA8816937.

ClinVar aggregate classification (germline): Uncertain significance (1 of 4 stars; one submission).

Conditions:
Pityriasis rubra pilaris (PRP). Also called: Pityriasis rubra pilaris--familial type. Identifiers: Orphanet 2897, MedGen C0032027, MONDO:0100017, OMIM 173200, MONDO:0008251.
Psoriasis 2. Identifiers: MedGen C1864497, MONDO:0011269, OMIM 602723.

Allele frequency attached by ClinVar (database versions not stated): gnomAD exomes below 0.00001 and 0.00002; ExAC 0.00001; gnomAD 0.00001; TOPMed 0.00002; 1000 Genomes Project 30x 0.00016; 1000 Genomes Project 0.00020.
gnomAD v4.1: 6 of 1,592,588 alleles (0.00038%); highest among the groups gnomAD compares: African/African-American, 0.0013%; no homozygotes.

Submission:

Labcorp Genetics (formerly Invitae), Labcorp
Classification: Uncertain significance for Pityriasis rubra pilaris; Psoriasis 2. Last evaluated: 2025-05-22. Review status: criteria provided, single submitter. Criteria: Invitae Variant Classification Sherloc (09022015). Collection method: clinical testing. Allele origin: germline.
Comment: This sequence change falls in intron 12 of the CARD14 gene. It does not directly change the encoded amino acid sequence of the CARD14 protein. This variant is present in population databases (rs536853489, gnomAD 0.007%). This variant has not been reported in the literature in individuals affected with CARD14-related conditions. ClinVar contains an entry for this variant (Variation ID: 1488791). Algorithms developed to predict the effect of sequence changes on RNA splicing suggest that this variant may disrupt the consensus splice site. In summary, the available evidence is currently insufficient to determine the role of this variant in disease. Therefore, it has been classified as a Variant of Uncertain Significance.